The following is an entry in ClinVar:

ClinVar aggregate classification (germline): Conflicting classifications of pathogenicity. Review status: criteria provided, conflicting classifications (1 of 4 stars). 2 submissions from 2 submitters: Uncertain significance (1); Benign (1). Last evaluated 2025-08-18.

Conditions:
Anemia, congenital dyserythropoietic, type IVa. Also called: Congenital dyserythropoietic anemia, type IV; CDA, TYPE IVa; Congenital dyserythropoietic anemia type 4. Identifiers: Orphanet 293825, MedGen C3150926, MONDO:0013355, OMIM 613673.

Allele frequency attached by ClinVar (database versions not stated): gnomAD 0.00005; gnomAD exomes 0.00006 and 0.00004; ExAC 0.00007; TOPMed 0.00003.
gnomAD v4.1: 90 of 1,603,574 alleles (0.0056%); highest among the groups gnomAD compares: Non-Finnish European, 0.0066%; no homozygotes.

Submissions (2):

Labcorp Genetics (formerly Invitae), Labcorp
Classification: Uncertain significance. Last evaluated: 2025-08-18. Review status: criteria provided, single submitter. Criteria: Invitae Variant Classification Sherloc (09022015). Collection method: clinical testing. Allele origin: germline.
Comment: This sequence change replaces glutamic acid, which is acidic and polar, with lysine, which is basic and polar, at codon 253 of the KLF1 protein (p.Glu253Lys). This variant is present in population databases (rs757861047, gnomAD 0.009%). This variant has not been reported in the literature in individuals affected with KLF1-related conditions. ClinVar contains an entry for this variant (Variation ID: 891356). Invitae Evidence Modeling of protein sequence and biophysical properties (such as structural, functional, and spatial information, amino acid conservation, physicochemical variation, residue mobility, and thermodynamic stability) indicates that this missense variant is not expected to disrupt KLF1 protein function with a negative predictive value of 80%. In summary, the available evidence is currently insufficient to determine the role of this variant in disease. Therefore, it has been classified as a Variant of Uncertain Significance.

Illumina Laboratory Services, Illumina
Classification: Benign for Anemia, congenital dyserythropoietic, type IVa. Last evaluated: 2018-01-13. Review status: criteria provided, single submitter. Criteria: ICSL Variant Classification Criteria 13 December 2019. Collection method: clinical testing. Allele origin: germline.
Comment: This variant was observed in the ICSL laboratory as part of a predisposition screen in an ostensibly healthy population. It had not been previously curated by ICSL or reported in the Human Gene Mutation Database (HGMD: prior to June 1st, 2018), and was therefore a candidate for classification through an automated scoring system. Utilizing variant allele frequency, disease prevalence and penetrance estimates, and inheritance mode, an automated score was calculated to assess if this variant is too frequent to cause the disease. Based on the score and internal cut-off values, a variant classified as benign is not then subjected to further curation. The score for this variant resulted in a classification of benign for this disease.

NM_006563.5(KLF1):c.757G>A (p.Glu253Lys)

Genes: KLF1 (KLF transcription factor 1; minus strand), LOC117125591 (CRISPRi-FlowFISH-validated PRDX2 and RAD23A regulatory element; plus strand). Cytogenetic location: 19p13.13.
Variant type: single nucleotide variant.
Coding change: c.757G>A on transcript NM_006563.5 (MANE Select); coding-DNA position 757, G replaced by A.
Protein change: p.Glu253Lys; replaces glutamic acid 253 with lysine.
Molecular consequence: missense variant.
Genome position (GRCh38, 1-based): chr19:12,885,473, C>T on the plus strand (G>A on the coding strand, the complement: KLF1 is on the minus strand). VCF-style: chr19-12885473-C-T. GRCh37 (hg19) VCF-style: chr19-12996287-C-T.
Other names: short protein forms E253K.
Identifiers: ClinVar variation 891356 (VCV000891356.6), dbSNP rs757861047, ClinGen allele CA9234019.